The following is an entry in ClinVar:

NM_170606.3(KMT2C):c.3584C>T (p.Pro1195Leu)

Gene: KMT2C (lysine methyltransferase 2C; minus strand). Cytogenetic location: 7q36.1.
Variant type: single nucleotide variant.
Coding change: c.3584C>T on transcript NM_170606.3 (MANE Select); coding-DNA position 3584, C replaced by T.
Protein change: p.Pro1195Leu; replaces proline 1195 with leucine.
Molecular consequence: missense variant.
Genome position (GRCh38, 1-based): chr7:152,220,651, G>A on the plus strand (C>T on the coding strand, the complement: KMT2C is on the minus strand). VCF-style: chr7-152220651-G-A. GRCh37 (hg19) VCF-style: chr7-151917736-G-A.
Other names: short protein forms P1195L.
Identifiers: ClinVar variation 4807338 (VCV004807338.1).

ClinVar aggregate classification (germline): Uncertain significance (1 of 4 stars; one submission).

gnomAD v4.1: 2 of 1,611,502 alleles (0.00012%); highest among the groups gnomAD compares: African/African-American, 0.0013%; no homozygotes.

Submission:

Labcorp Genetics (formerly Invitae), Labcorp
Classification: Uncertain significance. Last evaluated: 2024-03-09. Review status: criteria provided, single submitter. Criteria: Invitae Variant Classification Sherloc (09022015). Collection method: clinical testing. Allele origin: germline.
Comment: This sequence change replaces proline, which is neutral and non-polar, with leucine, which is neutral and non-polar, at codon 1195 of the KMT2C protein (p.Pro1195Leu). This variant is present in population databases (rs759020258, gnomAD 0.0009%). This variant has not been reported in the literature in individuals affected with KMT2C-related conditions. Advanced modeling of protein sequence and biophysical properties (such as structural, functional, and spatial information, amino acid conservation, physicochemical variation, residue mobility, and thermodynamic stability) performed at Invitae indicates that this missense variant is not expected to disrupt KMT2C protein function with a negative predictive value of 80%. In summary, the available evidence is currently insufficient to determine the role of this variant in disease. Therefore, it has been classified as a Variant of Uncertain Significance.